The following is an entry in ClinVar:

ClinVar aggregate classification (germline): Benign/Likely benign. Review status: criteria provided, multiple submitters, no conflicts (2 of 4 stars). 4 submissions from 4 submitters: Benign (1); Likely benign (3). Last evaluated 2025-12-28.

Conditions:
Cardiovascular phenotype. Identifiers: MedGen CN230736.
Dilated cardiomyopathy 1O (CMD1O). Also called: CARDIOMYOPATHY, DILATED, WITH VENTRICULAR TACHYCARDIA. Identifiers: Orphanet 154, MedGen C1837839, MONDO:0012062, OMIM 608569.

Allele frequency attached by ClinVar (database versions not stated): gnomAD 0.00001; TOPMed 0.00002; ExAC 0.00009.
gnomAD v4.1: 47 of 1,613,868 alleles (0.0029%); highest among the groups gnomAD compares: Middle Eastern, 0.016%; no homozygotes.

Submissions (4):

Labcorp Genetics (formerly Invitae), Labcorp
Classification: Likely benign for Dilated cardiomyopathy 1O. Last evaluated: 2025-12-28. Review status: criteria provided, single submitter. Criteria: Invitae Variant Classification Sherloc (09022015). Collection method: clinical testing. Allele origin: germline.

CeGaT Center for Human Genetics Tuebingen
Classification: Likely benign. Last evaluated: 2023-05-01. Review status: criteria provided, single submitter. Criteria: CeGaT Center For Human Genetics Tuebingen Variant Classification Criteria Version 2. Collection method: clinical testing. Allele origin: germline. Affected: yes. Observed: 1 variant allele.
Comment: ABCC9: BP4, BP7

Women's Health and Genetics/Laboratory Corporation of America, LabCorp
Classification: Benign. Last evaluated: 2023-03-27. Review status: criteria provided, single submitter. Criteria: LabCorp Variant Classification Summary - May 2015. Collection method: clinical testing. Allele origin: germline.

Ambry Genetics
Classification: Likely benign for Cardiovascular phenotype. Last evaluated: 2021-08-26. Review status: criteria provided, single submitter. Criteria: Ambry Variant Classification Scheme 2023. Collection method: clinical testing. Allele origin: germline.

Literature cited by the submitters: PubMed 30847666 (cited by Ambry Genetics).

NM_020297.4(ABCC9):c.1770G>A (p.Thr590=)

Gene: ABCC9 (ATP binding cassette subfamily C member 9; minus strand). Cytogenetic location: 12p12.1.
Variant type: single nucleotide variant.
Coding change: c.1770G>A on transcript NM_020297.4 (MANE Select); coding-DNA position 1770, G replaced by A.
Protein change: p.Thr590=; no amino-acid change (threonine 590 retained).
Molecular consequence: synonymous variant.
Genome position (GRCh38, 1-based): chr12:21,894,064, C>T on the plus strand (G>A on the coding strand, the complement: ABCC9 is on the minus strand). VCF-style: chr12-21894064-C-T. GRCh37 (hg19) VCF-style: chr12-22046998-C-T.
Other names: c.1770G>A, p.Thr590= (NM_001377273.1, NM_005691.4); c.906G>A, p.Thr302= (NM_001377274.1).
Identifiers: ClinVar variation 700269 (VCV000700269.36), dbSNP rs746239063, ClinGen allele CA6481592.